The following is an entry in ClinVar:

ClinVar aggregate classification (germline): Conflicting classifications of pathogenicity. Review status: criteria provided, conflicting classifications (1 of 4 stars). 2 submissions from 2 submitters: Uncertain significance (1); Likely benign (1). Last evaluated 2023-01-14.

Conditions:
Inborn genetic diseases. Identifiers: MedGen C0950123, MeSH D030342.
Spastic paraplegia. Identifiers: MedGen C0037772, HP:0001258.

Allele frequency attached by ClinVar (database versions not stated): TOPMed 0.00002; ExAC 0.00001.
gnomAD v4.1: 4 of 1,206,525 alleles (0.00033%); highest among the groups gnomAD compares: Admixed American, 0.0044%; no homozygotes.

Submissions (2):

Labcorp Genetics (formerly Invitae), Labcorp
Classification: Likely benign for Spastic paraplegia. Last evaluated: 2023-01-14. Review status: criteria provided, single submitter. Criteria: Invitae Variant Classification Sherloc (09022015). Collection method: clinical testing. Allele origin: germline.

Ambry Genetics
Classification: Uncertain significance for Inborn genetic diseases. Last evaluated: 2019-10-26. Review status: criteria provided, single submitter. Criteria: Ambry Variant Classification Scheme 2023. Collection method: clinical testing. Allele origin: germline.
Comment: The p.R1461W variant (also known as c.4381C>T), located in coding exon 26 of the KDM5C gene, results from a C to T substitution at nucleotide position 4381. The arginine at codon 1461 is replaced by tryptophan, an amino acid with dissimilar properties. This amino acid position is highly conserved in available vertebrate species. In addition, this alteration is predicted to be tolerated by in silico analysis. Since supporting evidence is limited at this time, the clinical significance of this alteration remains unclear.

NM_004187.5(KDM5C):c.4381C>T (p.Arg1461Trp)

Gene: KDM5C (lysine demethylase 5C; minus strand). Cytogenetic location: Xp11.22.
Variant type: single nucleotide variant.
Coding change: c.4381C>T on transcript NM_004187.5 (MANE Select); coding-DNA position 4381, C replaced by T.
Protein change: p.Arg1461Trp; replaces arginine 1461 with tryptophan.
Molecular consequence: missense variant. On other transcripts: intron variant (5).
Genome position (GRCh38, 1-based): chrX:53,193,269, G>A on the plus strand (C>T on the coding strand, the complement: KDM5C is on the minus strand). VCF-style: chrX-53193269-G-A. GRCh37 (hg19) VCF-style: chrX-53222451-G-A.
Other names: c.4378C>T, p.Arg1460Trp (NM_001282622.3); c.4372C>T, p.Arg1458Trp (NM_001353978.3); c.4305+168C>T (NM_001353982.2); c.4314+168C>T (NM_001353979.2); c.4308+168C>T (NM_001353981.2, NM_001353984.2); c.4046+229C>T (NM_001146702.2); short protein forms R1460W, R1461W, R1458W.
Identifiers: ClinVar variation 1740167 (VCV001740167.7), dbSNP rs782614169, ClinGen allele CA10419089.